The following is an entry in ClinVar:

ClinVar aggregate classification (germline): Uncertain significance (1 of 4 stars; one submission).

Conditions:
Early-infantile DEE. Also called: Ohtahara syndrome; Early infantile epileptic encephalopathy; Early infantile epileptic encephalopathy with suppression bursts. Identifiers: Orphanet 1934, MedGen C0393706, MONDO:0800491.

Allele frequency attached by ClinVar (database versions not stated): gnomAD exomes below 0.00001; gnomAD 0.00001; TOPMed 0.00001.
gnomAD v4.1: 8 of 1,609,662 alleles (0.0005%); highest among the groups gnomAD compares: East Asian, 0.0045%; no homozygotes.

Submission:

Labcorp Genetics (formerly Invitae), Labcorp
Classification: Uncertain significance for Early-infantile DEE. Last evaluated: 2021-02-15. Review status: criteria provided, single submitter. Criteria: Invitae Variant Classification Sherloc (09022015). Collection method: clinical testing. Allele origin: germline.
Comment: This variant is not present in population databases (ExAC no frequency). This sequence change replaces isoleucine with valine at codon 138 of the KCNH5 protein (p.Ile138Val). The isoleucine residue is highly conserved and there is a small physicochemical difference between isoleucine and valine. This variant has not been reported in the literature in individuals with KCNH5-related conditions. In summary, the available evidence is currently insufficient to determine the role of this variant in disease. Therefore, it has been classified as a Variant of Uncertain Significance. Algorithms developed to predict the effect of missense changes on protein structure and function are either unavailable or do not agree on the potential impact of this missense change (SIFT: "Tolerated"; PolyPhen-2: "Probably Damaging"; Align-GVGD: "Class C15").

NM_139318.5(KCNH5):c.412A>G (p.Ile138Val)

Gene: KCNH5 (potassium voltage-gated channel subfamily H member 5; minus strand). Cytogenetic location: 14q23.2.
Variant type: single nucleotide variant.
Coding change: c.412A>G on transcript NM_139318.5 (MANE Select); coding-DNA position 412, A replaced by G.
Protein change: p.Ile138Val; replaces isoleucine 138 with valine.
Molecular consequence: missense variant.
Genome position (GRCh38, 1-based): chr14:63,001,352, T>C on the plus strand (A>G on the coding strand, the complement: KCNH5 is on the minus strand). VCF-style: chr14-63001352-T-C. GRCh37 (hg19) VCF-style: chr14-63468070-T-C.
Other names: c.412A>G, p.Ile138Val (NM_172375.3); short protein forms I138V.
Identifiers: ClinVar variation 1387420 (VCV001387420.9), dbSNP rs934408514, ClinGen allele CA262408880.